The following is an entry in ClinVar:

NM_152703.5(SAMD9L):c.235T>C (p.Ser79Pro)

Gene: SAMD9L (sterile alpha motif domain containing 9 like; minus strand). Cytogenetic location: 7q21.2.
Variant type: single nucleotide variant.
Coding change: c.235T>C on transcript NM_152703.5 (MANE Select); coding-DNA position 235, T replaced by C.
Protein change: p.Ser79Pro; replaces serine 79 with proline.
Molecular consequence: missense variant.
Genome position (GRCh38, 1-based): chr7:93,135,737, A>G on the plus strand (T>C on the coding strand, the complement: SAMD9L is on the minus strand). VCF-style: chr7-93135737-A-G. GRCh37 (hg19) VCF-style: chr7-92765050-A-G.
Other names: c.235T>C, p.Ser79Pro (NM_001303496.3, NM_001303497.3, NM_001303498.3 and 5 more transcripts); c.235T>C (NM_152703.2); short protein forms S79P.
Identifiers: ClinVar variation 3656124 (VCV003656124.4).
Genomic context (GRCh38, chr7:93,135,737, plus strand): 5'-CTGTTTTGGACGGTTTTGAATTATCTAATTGTCCCGGATCATGATTGTCACTTTCAGGGG[A>G]CTTACTATTCAATTTGTTGTATGAACGTTTTATCAAAAGTGCTGGACCCCATGGTAGCCC-3'
Protein context (NP_689916.2, residues 69-89): KRSYNKLNSK[Ser79Pro]PESDNHDPGQ

ClinVar aggregate classification (germline): Uncertain significance. Review status: criteria provided, multiple submitters, no conflicts (2 of 4 stars). 2 submissions from 2 submitters: Uncertain significance (2). Last evaluated 2025-08-14.

Conditions:
Inborn genetic diseases. Identifiers: MedGen C0950123, MeSH D030342.

gnomAD v4.1: 4 of 1,613,904 alleles (0.00025%); highest among the groups gnomAD compares: Non-Finnish European, 0.00034%; no homozygotes.

Submissions (2):

Ambry Genetics
Classification: Uncertain significance for Inborn genetic diseases. Last evaluated: 2025-08-14. Review status: criteria provided, single submitter. Criteria: Ambry Variant Classification Scheme 2023. Collection method: clinical testing. Allele origin: germline.
Comment: The p.S79P variant (also known as c.235T>C), located in coding exon 1 of the SAMD9L gene, results from a T to C substitution at nucleotide position 235. The serine at codon 79 is replaced by proline, an amino acid with similar properties. This amino acid position is conserved. In addition, this alteration is predicted to be tolerated by in silico analysis. Based on the available evidence, the clinical significance of this variant remains unclear.

Labcorp Genetics (formerly Invitae), Labcorp
Classification: Uncertain significance. Last evaluated: 2024-06-10. Review status: criteria provided, single submitter. Criteria: Invitae Variant Classification Sherloc (09022015). Collection method: clinical testing. Allele origin: germline.
Comment: This sequence change replaces serine, which is neutral and polar, with proline, which is neutral and non-polar, at codon 79 of the SAMD9L protein (p.Ser79Pro). This variant is not present in population databases (gnomAD no frequency). This variant has not been reported in the literature in individuals affected with SAMD9L-related conditions. Algorithms developed to predict the effect of missense changes on protein structure and function output the following: SIFT: "Not Available"; PolyPhen-2: "Benign"; Align-GVGD: "Not Available". The proline amino acid residue is found in multiple mammalian species, which suggests that this missense change does not adversely affect protein function. In summary, the available evidence is currently insufficient to determine the role of this variant in disease. Therefore, it has been classified as a Variant of Uncertain Significance.